The following is an entry in ClinVar:

ClinVar aggregate classification (germline): Uncertain significance. Review status: criteria provided, multiple submitters, no conflicts (2 of 4 stars). 2 submissions from 2 submitters: Uncertain significance (2). Last evaluated 2024-04-10.

Conditions:
Inborn genetic diseases. Identifiers: MedGen C0950123, MeSH D030342.
Werner syndrome (WRN). Identifiers: Orphanet 902, MedGen C0043119, MONDO:0010196, OMIM 277700.

Allele frequency attached by ClinVar (database versions not stated): TOPMed below 0.00001; gnomAD 0.00001.

Submissions (2):

Labcorp Genetics (formerly Invitae), Labcorp
Classification: Uncertain significance for Werner syndrome. Last evaluated: 2024-04-10. Review status: criteria provided, single submitter. Criteria: Invitae Variant Classification Sherloc (09022015). Collection method: clinical testing. Allele origin: germline.
Comment: This sequence change replaces serine, which is neutral and polar, with asparagine, which is neutral and polar, at codon 201 of the WRN protein (p.Ser201Asn). This variant is not present in population databases (gnomAD no frequency). This variant has not been reported in the literature in individuals affected with WRN-related conditions. ClinVar contains an entry for this variant (Variation ID: 949723). Algorithms developed to predict the effect of missense changes on protein structure and function output the following: SIFT: "Not Available"; PolyPhen-2: "Benign"; Align-GVGD: "Not Available". The asparagine amino acid residue is found in multiple mammalian species, which suggests that this missense change does not adversely affect protein function. In summary, the available evidence is currently insufficient to determine the role of this variant in disease. Therefore, it has been classified as a Variant of Uncertain Significance.

Ambry Genetics
Classification: Uncertain significance for Inborn genetic diseases. Last evaluated: 2023-12-15. Review status: criteria provided, single submitter. Criteria: Ambry Variant Classification Scheme 2023. Collection method: clinical testing. Allele origin: germline.

NM_000553.6(WRN):c.602G>A (p.Ser201Asn)

Gene: WRN (WRN RecQ like helicase; plus strand). Cytogenetic location: 8p12.
Variant type: single nucleotide variant.
Coding change: c.602G>A on transcript NM_000553.6 (MANE Select); coding-DNA position 602, G replaced by A.
Protein change: p.Ser201Asn; replaces serine 201 with asparagine.
Molecular consequence: missense variant.
Genome position (GRCh38, 1-based): chr8:31,067,130, G>A. VCF-style: chr8-31067130-G-A. GRCh37 (hg19) VCF-style: chr8-30924646-G-A.
Other names: short protein forms S201N.
Identifiers: ClinVar variation 949723 (VCV000949723.7), dbSNP rs1812738957, ClinGen allele CA370916236.